The following is an entry in ClinVar:

ClinVar aggregate classification (germline): Uncertain significance (1 of 4 stars; one submission).

gnomAD v4.1: 16 of 1,614,094 alleles (0.00099%); highest among the groups gnomAD compares: Middle Eastern, 0.016%; no homozygotes.

Submission:

Labcorp Genetics (formerly Invitae), Labcorp
Classification: Uncertain significance. Last evaluated: 2024-05-28. Review status: criteria provided, single submitter. Criteria: Invitae Variant Classification Sherloc (09022015). Collection method: clinical testing. Allele origin: germline.
Comment: This sequence change replaces tyrosine, which is neutral and polar, with cysteine, which is neutral and slightly polar, at codon 370 of the MCM2 protein (p.Tyr370Cys). This variant is present in population databases (rs749264559, gnomAD 0.01%). This variant has not been reported in the literature in individuals affected with MCM2-related conditions. Advanced modeling of protein sequence and biophysical properties (such as structural, functional, and spatial information, amino acid conservation, physicochemical variation, residue mobility, and thermodynamic stability) performed at Invitae indicates that this missense variant is expected to disrupt MCM2 protein function with a positive predictive value of 80%. In summary, the available evidence is currently insufficient to determine the role of this variant in disease. Therefore, it has been classified as a Variant of Uncertain Significance.

NM_004526.4(MCM2):c.1109A>G (p.Tyr370Cys)

Gene: MCM2 (minichromosome maintenance complex component 2; plus strand). Cytogenetic location: 3q21.3.
Variant type: single nucleotide variant.
Coding change: c.1109A>G on transcript NM_004526.4 (MANE Select); coding-DNA position 1109, A replaced by G.
Protein change: p.Tyr370Cys; replaces tyrosine 370 with cysteine.
Molecular consequence: missense variant. On other transcripts: non-coding transcript variant (1).
Genome position (GRCh38, 1-based): chr3:127,608,389, A>G. VCF-style: chr3-127608389-A-G. GRCh37 (hg19) VCF-style: chr3-127327232-A-G.
Other names: short protein forms Y370C.
Identifiers: ClinVar variation 3606890 (VCV003606890.2).